The following is an entry in ClinVar:

ClinVar aggregate classification (germline): Uncertain significance (1 of 4 stars; one submission).

Conditions:
Primary ciliary dyskinesia. Also called: Ciliary dyskinesia. Identifiers: Orphanet 244, MedGen C0008780, MONDO:0016575, HP:0012265.

Submission:

Ambry Genetics
Classification: Uncertain significance for Primary ciliary dyskinesia. Last evaluated: 2024-02-22. Review status: criteria provided, single submitter. Criteria: Ambry Variant Classification Scheme 2023. Collection method: clinical testing. Allele origin: germline.
Comment: The p.S690I variant (also known as c.2069G>T), located in coding exon 3 of the DNAAF2 gene, results from a G to T substitution at nucleotide position 2069. The serine at codon 690 is replaced by isoleucine, an amino acid with dissimilar properties. This amino acid position is conserved. In addition, this alteration is predicted to be tolerated by in silico analysis. Based on the available evidence, the clinical significance of this alteration remains unclear.

NM_018139.3(DNAAF2):c.2069G>T (p.Ser690Ile)

Gene: DNAAF2 (dynein axonemal assembly factor 2; minus strand). Cytogenetic location: 14q21.3.
Variant type: single nucleotide variant.
Coding change: c.2069G>T on transcript NM_018139.3 (MANE Select); coding-DNA position 2069, G replaced by T.
Protein change: p.Ser690Ile; replaces serine 690 with isoleucine.
Molecular consequence: missense variant. On other transcripts: 5 prime UTR variant (1).
Genome position (GRCh38, 1-based): chr14:49,625,987, C>A on the plus strand (G>T on the coding strand, the complement: DNAAF2 is on the minus strand). VCF-style: chr14-49625987-C-A. GRCh37 (hg19) VCF-style: chr14-50092705-C-A.
Other names: c.1925G>T, p.Ser642Ile (NM_001083908.2); c.-143G>T (NM_001378453.1); short protein forms S642I, S690I.
Identifiers: ClinVar variation 3227126 (VCV003227126.1), dbSNP rs2502753069, ClinGen allele CA389624247.